The following is an entry in ClinVar:

ClinVar aggregate classification (germline): Uncertain significance. Review status: criteria provided, multiple submitters, no conflicts (2 of 4 stars). 2 submissions from 2 submitters: Uncertain significance (2). Last evaluated 2024-02-22.

gnomAD v4.1: 8 of 1,614,184 alleles (0.0005%); highest among the groups gnomAD compares: Non-Finnish European, 0.00059%; no homozygotes.

Submissions (2):

Ambry Genetics
Classification: Uncertain significance. Last evaluated: 2024-02-22. Review status: criteria provided, single submitter. Criteria: Ambry Variant Classification Scheme 2023. Collection method: clinical testing. Allele origin: germline.

Labcorp Genetics (formerly Invitae), Labcorp
Classification: Uncertain significance. Last evaluated: 2021-03-25. Review status: criteria provided, single submitter. Criteria: Invitae Variant Classification Sherloc (09022015). Collection method: clinical testing. Allele origin: germline.
Comment: This variant is not present in population databases (ExAC no frequency). This variant has not been reported in the literature in individuals with NXN-related conditions. Algorithms developed to predict the effect of missense changes on protein structure and function are either unavailable or do not agree on the potential impact of this missense change (SIFT: "Deleterious"; PolyPhen-2: "Benign"; Align-GVGD: "Class C35"). In summary, the available evidence is currently insufficient to determine the role of this variant in disease. Therefore, it has been classified as a Variant of Uncertain Significance. This sequence change replaces glutamic acid with valine at codon 342 of the NXN protein (p.Glu342Val). The glutamic acid residue is highly conserved and there is a moderate physicochemical difference between glutamic acid and valine.

NM_022463.5(NXN):c.1025A>T (p.Glu342Val)

Gene: NXN (nucleoredoxin; minus strand). Cytogenetic location: 17p13.3.
Variant type: single nucleotide variant.
Coding change: c.1025A>T on transcript NM_022463.5 (MANE Select); coding-DNA position 1025, A replaced by T.
Protein change: p.Glu342Val; replaces glutamic acid 342 with valine.
Molecular consequence: missense variant.
Genome position (GRCh38, 1-based): chr17:803,782, T>A on the plus strand (A>T on the coding strand, the complement: NXN is on the minus strand). VCF-style: chr17-803782-T-A. GRCh37 (hg19) VCF-style: chr17-707022-T-A.
Other names: c.1025A>T (NM_022463.4); c.701A>T, p.Glu234Val (NM_001205319.1); short protein forms E342V, E234V.
Identifiers: ClinVar variation 1469810 (VCV001469810.9), dbSNP rs550128795, ClinGen allele CA397509285.